The following is an entry in ClinVar:

NM_000053.4(ATP7B):c.3317T>A (p.Val1106Asp)

Gene: ATP7B (ATPase copper transporting beta; minus strand). Cytogenetic location: 13q14.3.
Variant type: single nucleotide variant.
Coding change: c.3317T>A on transcript NM_000053.4 (MANE Select); coding-DNA position 3317, T replaced by A.
Protein change: p.Val1106Asp; replaces valine 1106 with aspartic acid.
Molecular consequence: missense variant.
Genome position (GRCh38, 1-based): chr13:51,942,481, A>T on the plus strand (T>A on the coding strand, the complement: ATP7B is on the minus strand). VCF-style: chr13-51942481-A-T. GRCh37 (hg19) VCF-style: chr13-52516617-A-T.
Other names: c.2696T>A, p.Val899Asp (NM_001005918.3); c.2984T>A, p.Val995Asp (NM_001243182.2); c.3083T>A, p.Val1028Asp (NM_001330578.2); c.3065T>A, p.Val1022Asp (NM_001330579.2); short protein forms V1106D, V1022D, V995D, V1028D, V899D.
Identifiers: ClinVar variation 371498 (VCV000371498.19), dbSNP rs775541743, ClinGen allele CA6988740.

ClinVar aggregate classification (germline): Conflicting classifications of pathogenicity. Review status: criteria provided, conflicting classifications (1 of 4 stars). 8 submissions from 8 submitters: Likely pathogenic (6); Uncertain significance (1). 1 of the submissions does not count toward it. Last evaluated 2025-11-07.

Conditions:
Wilson disease (WND). Also called: Wilson's disease. Identifiers: Orphanet 905, MedGen C0019202, MONDO:0010200, OMIM 277900. Disease mechanism: loss of function.

Allele frequency attached by ClinVar (database versions not stated): gnomAD exomes below 0.00001 and 0.00001; ExAC 0.00001.
gnomAD v4.1: 5 of 1,614,206 alleles (0.00031%); highest among the groups gnomAD compares: Non-Finnish European, 0.00042%; no homozygotes.

Submissions (8):

Myriad Genetics, Inc.
Classification: Likely pathogenic for Wilson disease. Last evaluated: 2025-11-07. Review status: criteria provided, single submitter. Criteria: Myriad Autosomal Dominant, Autosomal Recessive and X-Linked Classification Criteria (2023). Collection method: clinical testing. Allele origin: unknown.
Comment: NM_000053.3(ATP7B):c.3317T>A(V1106D) is a missense variant classified as likely pathogenic in the context of Wilson disease. V1106D has been observed in cases with relevant disease (PMID: 8938442). Relevant functional assessments of this variant are not available in the literature. Internal structural analysis of the variant is supportive of pathogenicity. V1106D has been observed in referenced population frequency databases. In summary, NM_000053.3(ATP7B):c.3317T>A(V1106D) is a missense variant that has been observed more frequently in cases with the relevant disease than in healthy populations. Please note: this variant was assessed in the context of healthy population screening.

Natera, Inc.
Classification: Likely pathogenic for Wilson disease. Last evaluated: 2025-07-01. Review status: criteria provided, single submitter. Criteria: Natera Variant Classification Schema (03/2026). Collection method: clinical testing. Allele origin: germline.
Comment: The c.3317T>A variant in ATP7B is a missense variant predicted to cause substitution of valine to aspartic acid at amino acid 1106. This variant is rare in the general population with a frequency below the threshold expected for the associated phenotype(s). This variant has been observed in one or more individuals affected with the associated recessive disease, as either homozygous or compound heterozygous with a second variant (PMID: 8938442). A different variant at the same position has been determined to be Pathogenic or Likely Pathogenic. Computational prediction algorithms indicate this variant is likely to affect gene or protein function. Given the available evidence, this variant is classified as Likely Pathogenic.

Fulgent Genetics
Classification: Likely pathogenic for Wilson disease. Last evaluated: 2024-05-08. Review status: criteria provided, single submitter. Criteria: ACMG Guidelines, 2015. Collection method: clinical testing. Allele origin: germline.

Women's Health and Genetics/Laboratory Corporation of America, LabCorp
Classification: Likely pathogenic for Wilson disease. Last evaluated: 2024-05-03. Review status: criteria provided, single submitter. Criteria: LabCorp Variant Classification Summary - May 2015. Collection method: clinical testing. Allele origin: germline.
Comment: Variant summary: ATP7B c.3317T>A (p.Val1106Asp) results in a non-conservative amino acid change located in the P-type ATPase, haloacid dehalogenase domain (IPR044492) of the encoded protein sequence. Five of five in-silico tools predict a damaging effect of the variant on protein function. The variant allele was found at a frequency of 4e-06 in 249576 control chromosomes. c.3317T>A has been reported in the literature in two individuals affected with Wilson Disease in heterozygous state or with unknown zygosity (Waldenstrom_1996, Merle_2010). These report(s) do not provide unequivocal conclusions about association of the variant with Wilson Disease. At least one publication reports experimental evidence evaluating an impact on protein function in a yeast complementation assay. The most pronounced variant effect results in complete lack of copper transport (Hsi_2008). The following publications have been ascertained in the context of this evaluation (PMID: 18203200, 20082719, 8938442). ClinVar contains an entry for this variant (Variation ID: 371498). Based on the evidence outlined above, the variant was classified as likely pathogenic.

All of Us Research Program, National Institutes of Health
Classification: Uncertain significance for Wilson disease. Last evaluated: 2023-09-05. Review status: criteria provided, single submitter. Criteria: ACMG Guidelines, 2015. Collection method: clinical testing. Allele origin: germline. Inheritance: Autosomal recessive inheritance. Observed: 4 variant alleles, 4 heterozygotes.
Comment: This missense variant replaces valine with aspartic acid at codon 1106 of the ATP7B protein. Computational prediction suggests that this variant may have deleterious impact on protein structure and function (internally defined REVEL score threshold >= 0.7, PMID: 27666373). Functional studies performed in yeast assays have shown that this variant disrupts protein expression and copper transport (PMID: 18203200). This variant has been reported in individuals affected with Wilson disease (PMID: 8938442, 20082719). This variant has been identified in 1/249576 chromosomes in the general population by the Genome Aggregation Database (gnomAD). Although there is a suspicion that this variant may be associated with disease, additional studies are necessary to determine the role of this variant in disease conclusively. Therefore, this variant is classified as a Variant of Uncertain Significance.

This study involves interpretation of variants in research participants for the purpose of population health screening. Participant phenotype was not available at the time of variant classification. Additional details can be found in publication PMID: 35346344, PMCID: PMC8962531

Labcorp Genetics (formerly Invitae), Labcorp
Classification: Likely pathogenic for Wilson disease. Last evaluated: 2021-10-01. Review status: criteria provided, single submitter. Criteria: Invitae Variant Classification Sherloc (09022015). Collection method: clinical testing. Allele origin: germline.
Comment: In summary, the currently available evidence indicates that the variant is pathogenic, but additional data are needed to prove that conclusively. Therefore, this variant has been classified as Likely Pathogenic. This variant disrupts the p.Val1106 amino acid residue in ATP7B. Other variant(s) that disrupt this residue have been determined to be pathogenic (PMID: 14966923, 26483271, 27022412, 28212618, 30702195). This suggests that this residue is clinically significant, and that variants that disrupt this residue are likely to be disease-causing. Experimental studies have shown that this missense change affects ATP7B function (PMID: 18203200). Advanced modeling of protein sequence and biophysical properties (such as structural, functional, and spatial information, amino acid conservation, physicochemical variation, residue mobility, and thermodynamic stability) performed at Invitae indicates that this missense variant is expected to disrupt ATP7B protein function. ClinVar contains an entry for this variant (Variation ID: 371498). This missense change has been observed in individual(s) with Wilson Disease (PMID: 8938442, 20082719). This variant is present in population databases (rs775541743, ExAC 0.001%). This sequence change replaces valine with aspartic acid at codon 1106 of the ATP7B protein (p.Val1106Asp). The valine residue is moderately conserved and there is a large physicochemical difference between valine and aspartic acid.

Mayo Clinic Laboratories, Mayo Clinic
Classification: Likely pathogenic. Last evaluated: 2019-05-07. Review status: criteria provided, single submitter. Criteria: ACMG Guidelines, 2015. Collection method: clinical testing. Allele origin: germline. Observed: 1 variant allele.
Comment: PS3, PM2

Counsyl
Classification: Likely pathogenic for Wilson disease. Last evaluated: 2016-10-11. Review status: no assertion criteria provided. Collection method: clinical testing. Allele origin: unknown. Not counted in ClinVar's aggregate classification.

Literature cited by the submitters: PubMed 8938442 (cited by 7 submitters); PubMed 20082719 (cited by 5 submitters); PubMed 18203200 (cited by 5 submitters); PubMed 14966923 (cited by Labcorp Genetics (formerly Invitae), Labcorp); PubMed 26483271 (cited by Labcorp Genetics (formerly Invitae), Labcorp); PubMed 27022412 (cited by Labcorp Genetics (formerly Invitae), Labcorp); PubMed 28212618 (cited by Labcorp Genetics (formerly Invitae), Labcorp); PubMed 30702195 (cited by Labcorp Genetics (formerly Invitae), Labcorp); PubMed 22692182 (cited by Mayo Clinic Laboratories, Mayo Clinic and Counsyl); PubMed 24253677 (cited by Mayo Clinic Laboratories, Mayo Clinic and Counsyl).